The following is an entry in ClinVar:

ClinVar aggregate classification (germline): Likely pathogenic. Review status: criteria provided, multiple submitters, no conflicts (2 of 4 stars). 3 submissions from 3 submitters: Likely pathogenic (3). Last evaluated 2025-08-29.

Conditions:
Hypophosphatasia. Also called: Phosphoethanol-aminuria. Identifiers: Orphanet 436, MedGen C0020630, MeSH D007014, MONDO:0018570.

Submissions (3):

Genomenon, Inc
Classification: Likely pathogenic for Hypophosphatasia. Last evaluated: 2025-08-29. Review status: criteria provided, single submitter. Criteria: Genomenon Sequence Variant Interpretation Standards. Collection method: curation. Allele origin: germline. Affected: yes.
Comment: ALPL c.871G>C is a missense variant that changes the amino acid at residue 291 from Glutamic acid to Glutamine. This variant has been observed in at least one proband affected with hypophosphatasia (PMID:36361766;32160374). Functional studies have been reported;however, the significance of the findings remain unclear (PMID:32160374). It is absent or not present at a significant frequency in gnomAD. In silico models agree that this variant is possibly or probably damaging. In conclusion, we classify ALPL p.Glu291Gln (c.871G>C) as a likely pathogenic variant.

Natera, Inc.
Classification: Likely pathogenic for Hypophosphatasia. Last evaluated: 2024-03-22. Review status: criteria provided, single submitter. Criteria: Natera Variant Classification Schema (03/2026). Collection method: clinical testing. Allele origin: germline.
Comment: The c.871G>C variant in ALPL is a missense variant predicted to cause substitution of glutamic acid to glutamine at amino acid 291. This variant is rare in the general population with a frequency below the threshold expected for the associated phenotype(s). This variant has been observed in one or more individuals affected with the associated recessive disease, as either homozygous or compound heterozygous with a second variant (PMID: 32160374, 36361766). A different variant at the same position has been determined to be Pathogenic or Likely Pathogenic. Computational prediction algorithms indicate this variant is likely to affect gene or protein function. Given the available evidence, this variant is classified as Likely Pathogenic.

JKU Lab, Dept of Paediatrics, Johannes Kepler University
Classification: Likely pathogenic for Hypophosphatasia. Last evaluated: 2024-02-13. Review status: criteria provided, single submitter. Criteria: ACMG Guidelines, 2015. Collection method: clinical testing. Allele origin: germline. Affected: yes. Observed: 1 compound heterozygote.
Comment: Absent in GnomAD.

Literature cited by the submitters: PubMed 36361766 (cited by Genomenon, Inc and Natera, Inc.); PubMed 32160374 (cited by Genomenon, Inc and Natera, Inc.).

NM_000478.6(ALPL):c.871G>C (p.Glu291Gln)

Gene: ALPL (alkaline phosphatase, biomineralization associated; plus strand). Cytogenetic location: 1p36.12.
Variant type: single nucleotide variant.
Coding change: c.871G>C on transcript NM_000478.6 (MANE Select); coding-DNA position 871, G replaced by C.
Protein change: p.Glu291Gln; replaces glutamic acid 291 with glutamine.
Molecular consequence: missense variant.
Genome position (GRCh38, 1-based): chr1:21,573,673, G>C. VCF-style: chr1-21573673-G-C. GRCh37 (hg19) VCF-style: chr1-21900166-G-C.
Other names: c.871G>C (NM_000478.5); c.706G>C, p.Glu236Gln (NM_001127501.4); c.640G>C, p.Glu214Gln (NM_001177520.3); c.871G>C, p.Glu291Gln (NM_001369803.2, NM_001369804.2, NM_001369805.2); short protein forms E214Q, E236Q, E291Q.
Identifiers: ClinVar variation 3024107 (VCV003024107.3), dbSNP rs786204473, ClinGen allele CA338880177.